The following is an entry in ClinVar:

ClinVar aggregate classification (germline): Uncertain significance (1 of 4 stars; one submission).

Submission:

GeneDx
Classification: Uncertain significance. Last evaluated: 2022-06-14. Review status: criteria provided, single submitter. Criteria: GeneDx Variant Classification Process June 2021. Collection method: clinical testing. Allele origin: germline. Affected: yes.
Comment: Not observed at significant frequency in large population cohorts (gnomAD); In silico analysis supports that this missense variant does not alter protein structure/function; Has not been previously published as pathogenic or benign to our knowledge

NM_001853.4(COL9A3):c.13C>A (p.Arg5Ser)

Gene: COL9A3 (collagen type IX alpha 3 chain; plus strand). Cytogenetic location: 20q13.33.
Variant type: single nucleotide variant.
Coding change: c.13C>A on transcript NM_001853.4 (MANE Select); coding-DNA position 13, C replaced by A.
Protein change: p.Arg5Ser; replaces arginine 5 with serine.
Molecular consequence: missense variant.
Genome position (GRCh38, 1-based): chr20:62,817,077, C>A. VCF-style: chr20-62817077-C-A. GRCh37 (hg19) VCF-style: chr20-61448429-C-A.
Other names: short protein forms R5S.
Identifiers: ClinVar variation 1804296 (VCV001804296.1), dbSNP rs890399221, ClinGen allele CA317318981.